The following is an entry in ClinVar:

ClinVar aggregate classification (germline): Pathogenic. Review status: criteria provided, multiple submitters, no conflicts (2 of 4 stars). 2 submissions from 2 submitters: Pathogenic (2). Last evaluated 2023-01-07.

Conditions:
Usher syndrome. Also called: Usher Syndromes; Usher's syndrome. Identifiers: Orphanet 886, MedGen CN469326, MeSH D052245, MONDO:0019501. Disease mechanism: loss of function.

Submissions (2):

Labcorp Genetics (formerly Invitae), Labcorp
Classification: Pathogenic. Last evaluated: 2023-01-07. Review status: criteria provided, single submitter. Criteria: Invitae Variant Classification Sherloc (09022015). Collection method: clinical testing. Allele origin: germline.
Comment: This variant has not been reported in the literature in individuals affected with USH1C-related conditions. For these reasons, this variant has been classified as Pathogenic. This variant is not present in population databases (gnomAD no frequency). This sequence change creates a premature translational stop signal (p.Glu260Lysfs*16) in the USH1C gene. It is expected to result in an absent or disrupted protein product. Loss-of-function variants in USH1C are known to be pathogenic (PMID: 10973247, 17407589, 20301442, 21203349).

SN ONGC Dept of Genetics and Molecular biology Vision Research Foundation
Classification: Pathogenic for Usher syndrome. Last evaluated: 2022-12-31. Review status: criteria provided, single submitter. Criteria: ACMG Guidelines, 2015. Collection method: research. Allele origin: unknown. Affected: yes. Observed: 1 variant allele, 1 homozygote.

Literature cited by the submitters: PubMed 10973247 (cited by Labcorp Genetics (formerly Invitae), Labcorp); PubMed 17407589 (cited by Labcorp Genetics (formerly Invitae), Labcorp); PubMed 20301442 (cited by Labcorp Genetics (formerly Invitae), Labcorp); PubMed 21203349 (cited by Labcorp Genetics (formerly Invitae), Labcorp).

NM_153676.4(USH1C):c.777del (p.Glu260fs)

Gene: USH1C (USH1 protein network component harmonin; minus strand). Cytogenetic location: 11p15.1.
Variant type: Deletion.
Coding change: c.777del on transcript NM_153676.4 (MANE Select); coding-DNA position 777, one base deleted (C; older notation c.777delC).
Protein change: p.Glu260fs; shifts the reading frame from glutamic acid 260.
Molecular consequence: frameshift variant. On other transcripts: non-coding transcript variant (1).
Genome position (GRCh38, 1-based): chr11:17,523,461, G deleted on the plus strand (C on the coding strand, the reverse complement: USH1C is on the minus strand). VCF-style (leftmost placement, unchanged base first): chr11-17523460-CG-C. GRCh37 (hg19) VCF-style: chr11-17545007-CG-C.
Other names: c.777del, p.Glu260fs (NM_001297764.2, NM_005709.4); short protein forms E260fs.
Identifiers: ClinVar variation 2503072 (VCV002503072.4), dbSNP rs2497163167, ClinGen allele CA2695201104.
Genomic context (GRCh38, chr11:17,523,460, plus strand): 5'-GAAGACCCCCACATCTCACCTCCTTGTGATCCAGGTTAGAGAAGTCGACGCCATTGACTT[CG>C]ACAATCTGGTCCCCTATCTGGTGGGGAAATGGAGAAAGATTAGTGTGTTTGCGCTATCTG-3'